The following is an entry in ClinVar:

NM_005881.4(BCKDK):c.1185C>T (p.Asp395=)

Gene: BCKDK (branched chain keto acid dehydrogenase kinase; plus strand). Cytogenetic location: 16p11.2.
Variant type: single nucleotide variant.
Coding change: c.1185C>T on transcript NM_005881.4 (MANE Select); coding-DNA position 1185, C replaced by T.
Protein change: p.Asp395=; no amino-acid change (aspartic acid 395 retained).
Molecular consequence: synonymous variant. On other transcripts: 3 prime UTR variant (2).
Genome position (GRCh38, 1-based): chr16:31,112,211, C>T. VCF-style: chr16-31112211-C-T. GRCh37 (hg19) VCF-style: chr16-31123532-C-T.
Other names: c.*180C>T (NM_001122957.4, NM_001271926.3); c.1185C>T (NM_005881.3).
Identifiers: ClinVar variation 499436 (VCV000499436.38), dbSNP rs141335706, ClinGen allele CA8021800.

ClinVar aggregate classification (germline): Conflicting classifications of pathogenicity. Review status: criteria provided, conflicting classifications (1 of 4 stars). 4 submissions from 4 submitters: Uncertain significance (1); Likely benign (2). 1 of the submissions does not count toward it. Last evaluated 2025-03-13.

Conditions:
BCKDK-related disorder. Also called: BCKDK-related condition.
Branched-chain keto acid dehydrogenase kinase deficiency (BCKDKD). Also called: BCKDK DEFICIENCY. Identifiers: Orphanet 308410, MedGen C3554078, MONDO:0013970, OMIM 614923.

Allele frequency attached by ClinVar (database versions not stated): gnomAD exomes 0.00011; ExAC 0.00012; 1000 Genomes Project 30x 0.00016; 1000 Genomes Project 0.00020; gnomAD 0.00020 and 0.00021; TOPMed 0.00022; ESP Exome Variant Server 0.00054.
gnomAD v4.1: 326 of 1,612,092 alleles (0.02%); highest among the groups gnomAD compares: African/African-American, 0.06%; no homozygotes.

Submissions (4):

Labcorp Genetics (formerly Invitae), Labcorp
Classification: Likely benign for Branched-chain keto acid dehydrogenase kinase deficiency. Last evaluated: 2025-03-13. Review status: criteria provided, single submitter. Criteria: Invitae Variant Classification Sherloc (09022015). Collection method: clinical testing. Allele origin: germline.

CeGaT Center for Human Genetics Tuebingen
Classification: Likely benign. Last evaluated: 2023-02-01. Review status: criteria provided, single submitter. Criteria: CeGaT Center For Human Genetics Tuebingen Variant Classification Criteria Version 2. Collection method: clinical testing. Allele origin: germline. Affected: yes. Observed: 1 variant allele.
Comment: BCKDK: BP4, BP7

Eurofins Ntd Llc (ga)
Classification: Uncertain significance. Last evaluated: 2017-11-01. Review status: criteria provided, single submitter. Criteria: EGL Classification Definitions 2015. Collection method: clinical testing. Allele origin: germline. Observed: 2 variant alleles, 2 heterozygotes.

PreventionGenetics, part of Exact Sciences
Classification: Likely benign for BCKDK-related condition. Last evaluated: 2019-10-28. Review status: no assertion criteria provided. Collection method: clinical testing. Allele origin: germline. Not counted in ClinVar's aggregate classification.
Comment: This variant is classified as likely benign based on ACMG/AMP sequence variant interpretation guidelines (Richards et al. 2015 PMID: 25741868, with internal and published modifications).